The following is an entry in ClinVar:

ClinVar aggregate classification (germline): Uncertain significance. Review status: criteria provided, multiple submitters, no conflicts (2 of 4 stars). 2 submissions from 2 submitters: Uncertain significance (2). Last evaluated 2026-06-10.

Conditions:
Hereditary cancer-predisposing syndrome. Also called: Neoplastic Syndromes, Hereditary; Tumor predisposition; Hereditary Cancer Syndrome; Hereditary neoplastic syndrome. Identifiers: Orphanet 140162, MedGen C0027672, MeSH D009386, MONDO:0015356.

Submissions (2):

Ambry Genetics
Classification: Uncertain significance for Hereditary cancer-predisposing syndrome. Last evaluated: 2026-06-10. Review status: criteria provided, single submitter. Criteria: Ambry Variant Classification Scheme 2023. Collection method: clinical testing. Allele origin: germline.
Comment: The p.T60R variant (also known as c.179C>G), located in coding exon 2 of the POLE gene, results from a C to G substitution at nucleotide position 179. The threonine at codon 60 is replaced by arginine, an amino acid with similar properties. This amino acid position is conserved. In addition, the in silico prediction for this alteration is inconclusive. Based on the available evidence, the clinical significance of this variant remains unclear.

Labcorp Genetics (formerly Invitae), Labcorp
Classification: Uncertain significance. Last evaluated: 2025-11-10. Review status: criteria provided, single submitter. Criteria: Invitae Variant Classification Sherloc (09022015). Collection method: clinical testing. Allele origin: germline.
Comment: This sequence change replaces threonine, which is neutral and polar, with arginine, which is basic and polar, at codon 60 of the POLE protein (p.Thr60Arg). This variant is not present in population databases (gnomAD no frequency). This variant has not been reported in the literature in individuals affected with POLE-related conditions. Invitae Evidence Modeling of protein sequence and biophysical properties (such as structural, functional, and spatial information, amino acid conservation, physicochemical variation, residue mobility, and thermodynamic stability) indicates that this missense variant is not expected to disrupt POLE protein function with a negative predictive value of 80%. In summary, the available evidence is currently insufficient to determine the role of this variant in disease. Therefore, it has been classified as a Variant of Uncertain Significance.

NM_006231.4(POLE):c.179C>G (p.Thr60Arg)

Gene: POLE (DNA polymerase epsilon, catalytic subunit; minus strand). Cytogenetic location: 12q24.33.
Variant type: single nucleotide variant.
Coding change: c.179C>G on transcript NM_006231.4 (MANE Select); coding-DNA position 179, C replaced by G.
Protein change: p.Thr60Arg; replaces threonine 60 with arginine.
Molecular consequence: missense variant.
Genome position (GRCh38, 1-based): chr12:132,681,163, G>C on the plus strand (C>G on the coding strand, the complement: POLE is on the minus strand). VCF-style: chr12-132681163-G-C. GRCh37 (hg19) VCF-style: chr12-133257749-G-C.
Other names: c.179C>G (NM_006231.2); short protein forms T60R.
Identifiers: ClinVar variation 4742125 (VCV004742125.2).